The following is an entry in ClinVar:

ClinVar aggregate classification (germline): Uncertain significance. Review status: criteria provided, multiple submitters, no conflicts (2 of 4 stars). 4 submissions from 4 submitters: Uncertain significance (3). 1 of the submissions does not count toward it. Last evaluated 2025-12-29.

Conditions:
Hereditary cancer-predisposing syndrome. Also called: Hereditary neoplastic syndrome; Neoplastic Syndromes, Hereditary; Tumor predisposition; Hereditary Cancer Syndrome. Identifiers: Orphanet 140162, MedGen C0027672, MeSH D009386, MONDO:0015356.
POLE-related disorder. Also called: POLE-related disorders; POLE-related condition.

Allele frequency attached by ClinVar (database versions not stated): gnomAD 0.00001; gnomAD exomes 0.00001; ExAC 0.00002; TOPMed 0.00003.
gnomAD v4.1: 7 of 1,614,064 alleles (0.00043%); highest among the groups gnomAD compares: East Asian, 0.0022%; no homozygotes.

Submissions (4):

Labcorp Genetics (formerly Invitae), Labcorp
Classification: Uncertain significance. Last evaluated: 2025-12-29. Review status: criteria provided, single submitter. Criteria: Invitae Variant Classification Sherloc (09022015). Collection method: clinical testing. Allele origin: germline.
Comment: This sequence change replaces arginine, which is basic and polar, with cysteine, which is neutral and slightly polar, at codon 34 of the POLE protein (p.Arg34Cys). This variant is present in population databases (rs771051323, gnomAD 0.002%). This missense change has been observed in individual(s) with clinical features of facial dysmorphism, immunodeficiency, livedo, and short stature (FILS) syndrome and poikiloderma (PMID: 32705701). ClinVar contains an entry for this variant (Variation ID: 940582). Invitae Evidence Modeling of protein sequence and biophysical properties (such as structural, functional, and spatial information, amino acid conservation, physicochemical variation, residue mobility, and thermodynamic stability) indicates that this missense variant is expected to disrupt POLE protein function with a positive predictive value of 80%. In summary, the available evidence is currently insufficient to determine the role of this variant in disease. Therefore, it has been classified as a Variant of Uncertain Significance.

Ambry Genetics
Classification: Uncertain significance for Hereditary cancer-predisposing syndrome. Last evaluated: 2025-04-03. Review status: criteria provided, single submitter. Criteria: Ambry Variant Classification Scheme 2023. Collection method: clinical testing. Allele origin: germline.
Comment: The p.R34C variant (also known as c.100C>T), located in coding exon 2 of the POLE gene, results from a C to T substitution at nucleotide position 100. The arginine at codon 34 is replaced by cysteine, an amino acid with highly dissimilar properties. This variant has been identified in the homozygous state in an individual with features consistent with POLE deficiency (Eason C et al. Pediatr Dermatol, 2020 Sep;37:915-917). This amino acid position is highly conserved in available vertebrate species. In addition, the in silico prediction for this alteration is inconclusive. Based on the available evidence, the clinical significance of this variant remains unclear.

GeneDx
Classification: Uncertain significance. Last evaluated: 2022-05-20. Review status: criteria provided, single submitter. Criteria: GeneDx Variant Classification Process June 2021. Collection method: clinical testing. Allele origin: germline. Affected: yes.
Comment: Not observed at significant frequency in large population cohorts (gnomAD); In silico analysis supports that this missense variant has a deleterious effect on protein structure/function; Observed in homozygous state in a patient and sibling with clinical features of facial dysmorphism, immunodeficiency, livedo, and short stature (FILS) syndrome and poikiloderma (Eason 2020); This variant is associated with the following publications: (PMID: 25228659, 27244218, 33477564, 31829442, 32705701)

PreventionGenetics, part of Exact Sciences
Classification: Uncertain significance for POLE-related condition. Last evaluated: 2023-12-27. Review status: no assertion criteria provided. Collection method: clinical testing. Allele origin: germline. Not counted in ClinVar's aggregate classification.
Comment: The POLE c.100C>T variant is predicted to result in the amino acid substitution p.Arg34Cys. This variant was reported in the homozygous state in an individual with Facial dysmorphism, Immunodeficiency, Livedo & Short stature (FILS) syndrome (Eason et al. 2020. PubMed ID: 32705701). This variant is reported in 0.0018% of alleles in individuals of European (Non-Finnish) descent in gnomAD. At this time, the clinical significance of this variant is uncertain due to the absence of conclusive functional and genetic evidence.

Literature cited by the submitters: PubMed 32705701 (cited by Labcorp Genetics (formerly Invitae), Labcorp and Ambry Genetics).

NM_006231.4(POLE):c.100C>T (p.Arg34Cys)

Gene: POLE (DNA polymerase epsilon, catalytic subunit; minus strand). Cytogenetic location: 12q24.33.
Variant type: single nucleotide variant.
Coding change: c.100C>T on transcript NM_006231.4 (MANE Select); coding-DNA position 100, C replaced by T.
Protein change: p.Arg34Cys; replaces arginine 34 with cysteine.
Molecular consequence: missense variant.
Genome position (GRCh38, 1-based): chr12:132,681,242, G>A on the plus strand (C>T on the coding strand, the complement: POLE is on the minus strand). VCF-style: chr12-132681242-G-A. GRCh37 (hg19) VCF-style: chr12-133257828-G-A.
Other names: short protein forms R34C.
Identifiers: ClinVar variation 940582 (VCV000940582.12), dbSNP rs771051323, ClinGen allele CA6894447.